The following is an entry in ClinVar:

ClinVar aggregate classification (germline): Likely benign (1 of 4 stars; one submission).

Conditions:
SEMA3G-related disorder. Also called: SEMA3G-related condition.

gnomAD v4.1: 2 of 1,607,582 alleles (0.00012%); highest among the groups gnomAD compares: Non-Finnish European, 0.00017%; no homozygotes.

Submission:

PreventionGenetics, part of Exact Sciences
Classification: Likely benign for SEMA3G-related condition. Last evaluated: 2024-10-11. Review status: criteria provided, single submitter. Criteria: ACMG Guidelines, 2015. Collection method: clinical testing. Allele origin: germline.
Comment: This variant is classified as likely benign based on ACMG/AMP sequence variant interpretation guidelines (Richards et al. 2015 PMID: 25741868, with internal and published modifications).

NM_020163.3(SEMA3G):c.1510-10C>A

Gene: SEMA3G (semaphorin 3G; minus strand). Cytogenetic location: 3p21.1.
Variant type: single nucleotide variant.
Coding change: c.1510-10C>A on transcript NM_020163.3 (MANE Select); 10 bases into the intron before coding-DNA position 1510, C replaced by A.
Molecular consequence: intron variant.
Genome position (GRCh38, 1-based): chr3:52,438,209, G>T on the plus strand (C>A on the coding strand, the complement: SEMA3G is on the minus strand). VCF-style: chr3-52438209-G-T. GRCh37 (hg19) VCF-style: chr3-52472225-G-T.
Identifiers: ClinVar variation 4999973 (VCV004999973.1).